The following is an entry in ClinVar:

ClinVar aggregate classification (germline): Likely benign. Review status: criteria provided, multiple submitters, no conflicts (2 of 4 stars). 5 submissions from 5 submitters: Likely benign (5). Last evaluated 2026-09-01.

Allele frequency attached by ClinVar (database versions not stated): 1000 Genomes Project 30x 0.00047; 1000 Genomes Project 0.00060; TOPMed 0.00181; ESP Exome Variant Server 0.00231; ExAC 0.00278; gnomAD 0.00307 and 0.00319.
gnomAD v4.1: 4,106 of 1,614,070 alleles (0.25%); highest among the groups gnomAD compares: Non-Finnish European, 0.27%; 10 homozygotes.

Submissions (5):

CeGaT Center for Human Genetics Tuebingen
Classification: Likely benign. Last evaluated: 2026-09-01. Review status: criteria provided, single submitter. Criteria: CeGaT Center For Human Genetics Tuebingen Variant Classification Criteria Version 2. Collection method: clinical testing. Allele origin: germline. Affected: yes. Observed: 27 variant alleles.
Comment: H1-4: BS1

Ambry Genetics
Classification: Likely benign. Last evaluated: 2025-03-27. Review status: criteria provided, single submitter. Criteria: Ambry Variant Classification Scheme 2023. Collection method: clinical testing. Allele origin: germline.

Blueprint Genetics
Classification: Likely benign. Last evaluated: 2024-11-26. Review status: criteria provided, single submitter. Criteria: ACMG Guidelines, 2015. Collection method: clinical testing. Allele origin: germline.

Labcorp Genetics (formerly Invitae), Labcorp
Classification: Likely benign. Last evaluated: 2019-12-31. Review status: criteria provided, single submitter. Criteria: Invitae Variant Classification Sherloc (09022015). Collection method: clinical testing. Allele origin: germline.

Breakthrough Genomics
Classification: Likely benign. Review status: criteria provided, single submitter. Criteria: ACMG Guidelines, 2015. Collection method: not provided. Allele origin: germline. Inheritance: Autosomal dominant inheritance. Affected: yes.

NM_005321.3(H1-4):c.140C>T (p.Ala47Val)

Gene: H1-4 (H1.4 linker histone, cluster member; plus strand). Cytogenetic location: 6p22.2.
Variant type: single nucleotide variant.
Coding change: c.140C>T on transcript NM_005321.3 (MANE Select); coding-DNA position 140, C replaced by T.
Protein change: p.Ala47Val; replaces alanine 47 with valine.
Molecular consequence: missense variant.
Genome position (GRCh38, 1-based): chr6:26,156,530, C>T. VCF-style: chr6-26156530-C-T. GRCh37 (hg19) VCF-style: chr6-26156758-C-T.
Other names: short protein forms A47V.
Identifiers: ClinVar variation 791564 (VCV000791564.32), dbSNP rs141942142, ClinGen allele CA3667929.